The following is an entry in ClinVar:

ClinVar aggregate classification (germline): Benign/Likely benign. Review status: criteria provided, multiple submitters, no conflicts (2 of 4 stars). 11 submissions from 11 submitters: Benign (1); Likely benign (6). 4 of the submissions do not count toward it. Last evaluated 2025-12-24.

Conditions:
Cardiomyopathy (CMYO). Also called: Cardiomyopathies. Identifiers: Orphanet 167848, MedGen C0878544, MONDO:0004994, HP:0001638. Inheritance: Various modes of inheritance.
Catecholaminergic polymorphic ventricular tachycardia (CVPT). Also called: Catecholamine-induced polymorphic ventricular tachycardia. Identifiers: Orphanet 3286, MedGen C5574922, MONDO:0017990.
Catecholaminergic polymorphic ventricular tachycardia 1. Also called: RYR2-Related Catecholaminergic Polymorphic Ventricular Tachycardia; VENTRICULAR TACHYCARDIA, CATECHOLAMINERGIC POLYMORPHIC, 1, WITH OR WITHOUT ATRIAL DYSFUNCTION AND/OR DILATED CARDIOMYOPATHY; VENTRICULAR TACHYCARDIA, STRESS-INDUCED POLYMORPHIC 1. Identifiers: Orphanet 3286, MedGen C1631597, MONDO:0011484, OMIM 604772.
Cardiovascular phenotype. Identifiers: MedGen CN230736.

Allele frequency attached by ClinVar (database versions not stated): gnomAD 0.00017 and 0.00019; ExAC 0.00018; TOPMed 0.00015; 1000 Genomes Project 30x 0.00016; gnomAD exomes 0.00016 and 0.00019; 1000 Genomes Project 0.00020.
gnomAD v4.1: 304 of 1,613,960 alleles (0.019%); highest among the groups gnomAD compares: Non-Finnish European, 0.023%; no homozygotes.

Submissions (11):

Labcorp Genetics (formerly Invitae), Labcorp
Classification: Likely benign for Catecholaminergic polymorphic ventricular tachycardia 1. Last evaluated: 2025-12-24. Review status: criteria provided, single submitter. Criteria: Invitae Variant Classification Sherloc (09022015). Collection method: clinical testing. Allele origin: germline.

Blueprint Genetics
Classification: Likely benign. Last evaluated: 2024-10-29. Review status: criteria provided, single submitter. Criteria: ACMG Guidelines, 2015. Collection method: clinical testing. Allele origin: germline.

All of Us Research Program, National Institutes of Health
Classification: Likely benign for Catecholaminergic polymorphic ventricular tachycardia. Last evaluated: 2024-02-05. Review status: criteria provided, single submitter. Criteria: ACMG Guidelines, 2015. Collection method: clinical testing. Allele origin: germline. Inheritance: Autosomal dominant inheritance. Observed: 35 variant alleles, 35 heterozygotes.
Comment: This study involves interpretation of variants in research participants for the purpose of population health screening. Participant phenotype was not available at the time of variant classification. Additional details can be found in publication PMID: 35346344, PMCID: PMC8962531

Ambry Genetics
Classification: Likely benign for Cardiovascular phenotype. Last evaluated: 2018-11-08. Review status: criteria provided, single submitter. Criteria: Ambry Variant Classification Scheme 2023. Collection method: clinical testing. Allele origin: germline.

Color Diagnostics, LLC DBA Color Health
Classification: Likely benign for Cardiomyopathy. Last evaluated: 2018-05-03. Review status: criteria provided, single submitter. Criteria: ACMG Guidelines, 2015. Collection method: clinical testing. Allele origin: germline.

CHEO Genetics Diagnostic Laboratory, Children's Hospital of Eastern Ontario
Classification: Benign for Cardiomyopathy. Last evaluated: 2017-11-28. Review status: criteria provided, single submitter. Criteria: ACMG Guidelines, 2015. Collection method: clinical testing. Allele origin: germline.

GeneDx
Classification: Likely benign. Last evaluated: 2017-07-13. Review status: criteria provided, single submitter. Criteria: GeneDx Variant Classification (06012015). Collection method: clinical testing. Allele origin: germline. Affected: yes.
Comment: This variant is considered likely benign or benign based on one or more of the following criteria: it is a conservative change, it occurs at a poorly conserved position in the protein, it is predicted to be benign by multiple in silico algorithms, and/or has population frequency not consistent with disease.

Clinical Genetics, Academic Medical Center
Classification: Benign. Review status: no assertion criteria provided. Collection method: clinical testing. Allele origin: germline. Affected: yes. Study: VKGL Data-share Consensus. Not counted in ClinVar's aggregate classification.

Diagnostic Laboratory, Department of Genetics, University Medical Center Groningen
Classification: Likely benign. Review status: no assertion criteria provided. Collection method: clinical testing. Allele origin: germline. Affected: yes. Study: VKGL Data-share Consensus. Not counted in ClinVar's aggregate classification.

Genome Diagnostics Laboratory, University Medical Center Utrecht
Classification: Likely benign. Review status: no assertion criteria provided. Collection method: clinical testing. Allele origin: germline. Affected: yes. Study: VKGL Data-share Consensus. Not counted in ClinVar's aggregate classification.

Joint Genome Diagnostic Labs from Nijmegen and Maastricht, Radboudumc and MUMC+
Classification: Likely benign. Review status: no assertion criteria provided. Collection method: clinical testing. Allele origin: germline. Affected: yes. Study: VKGL Data-share Consensus. Not counted in ClinVar's aggregate classification.

NM_001035.3(RYR2):c.3024G>A (p.Ala1008=)

Gene: RYR2 (ryanodine receptor 2; plus strand). Cytogenetic location: 1q43.
Variant type: single nucleotide variant.
Coding change: c.3024G>A on transcript NM_001035.3 (MANE Select); coding-DNA position 3024, G replaced by A.
Protein change: p.Ala1008=; no amino-acid change (alanine 1008 retained).
Molecular consequence: synonymous variant.
Genome position (GRCh38, 1-based): chr1:237,548,548, G>A. VCF-style: chr1-237548548-G-A. GRCh37 (hg19) VCF-style: chr1-237711848-G-A.
Other names: c.3024G>A, p.Ala1008= (LRG_402t1).
Identifiers: ClinVar variation 378486 (VCV000378486.39), dbSNP rs566157997, ClinGen allele CA086268.
Genomic context (GRCh38, chr1:237,548,548, plus strand): 5'-CACCCCATCACAAGAAGCAATGGTGGACAAGTTGGCAGAAAATGCACATAATGTGTGGGC[G>A]CGGGATCGAATCCGGCAGGGCTGGACTTATGGCATCCAACAGGTACATGGGAATTAGCAT-3'
Protein context (NP_001026.2, residues 998-1018): KLAENAHNVW[Ala1008=]RDRIRQGWTY